The following is an entry in ClinVar:

ClinVar aggregate classification (germline): Uncertain significance (1 of 4 stars; one submission).

Conditions:
Hereditary pheochromocytoma and paraganglioma. Also called: Hereditary paragangliomas and pheochromocytomas; Hereditary Paraganglioma-Pheochromocytoma Syndromes; Hereditary pheochromocytoma-paraganglioma. Identifiers: Orphanet 29072, MedGen C4274332, MONDO:0017366.

Submission:

Labcorp Genetics (formerly Invitae), Labcorp
Classification: Uncertain significance for Hereditary pheochromocytoma and paraganglioma. Last evaluated: 2024-06-17. Review status: criteria provided, single submitter. Criteria: Invitae Variant Classification Sherloc (09022015). Collection method: clinical testing. Allele origin: germline.
Comment: This sequence change replaces glutamic acid, which is acidic and polar, with glutamine, which is neutral and polar, at codon 56 of the MAX protein (p.Glu56Gln). This variant is not present in population databases (gnomAD no frequency). This variant has not been reported in the literature in individuals affected with MAX-related conditions. An algorithm developed to predict the effect of missense changes on protein structure and function (PolyPhen-2) suggests that this variant is likely to be disruptive. In summary, the available evidence is currently insufficient to determine the role of this variant in disease. Therefore, it has been classified as a Variant of Uncertain Significance.

NM_002382.5(MAX):c.166G>C (p.Glu56Gln)

Genes: MAX (MYC associated transcriptional regulator X; minus strand), MAX-AS1 (MAX antisense RNA 1; plus strand). Cytogenetic location: 14q23.3.
Variant type: single nucleotide variant.
Coding change: c.166G>C on transcript NM_002382.5 (MANE Select); coding-DNA position 166, G replaced by C.
Protein change: p.Glu56Gln; replaces glutamic acid 56 with glutamine.
Molecular consequence: missense variant. On other transcripts: non-coding transcript variant (12), 5 prime UTR variant (6), intron variant (1).
Genome position (GRCh38, 1-based): chr14:65,093,713, C>G on the plus strand (G>C on the coding strand, the complement: MAX is on the minus strand). VCF-style: chr14-65093713-C-G. GRCh37 (hg19) VCF-style: chr14-65560431-C-G.
Other names: c.139G>C, p.Glu47Gln (NM_001271068.2, NM_001271069.2, NM_001407095.1 and 9 more transcripts); c.-109G>C (NM_001320415.2, NM_001407105.1, NM_001407106.1 and 1 more transcripts); c.166G>C, p.Glu56Gln (NM_001407094.1, NM_001407096.1, NM_001407097.1 and 5 more transcripts); c.-202G>C (NM_001407111.1, NM_001407112.1); c.189G>C, p.Glu63Asp (NM_001407114.1); c.63+7833G>C (NM_001407098.1); short protein forms E47Q, E63D, E56Q.
Identifiers: ClinVar variation 3691644 (VCV003691644.2).